The following is an entry in ClinVar:

NM_133510.4(RAD51B):c.561A>T (p.Glu187Asp)

Gene: RAD51B (RAD51 paralog B; plus strand). Cytogenetic location: 14q24.1.
Variant type: single nucleotide variant.
Coding change: c.561A>T on transcript NM_133510.4 (MANE Select); coding-DNA position 561, A replaced by T.
Protein change: p.Glu187Asp; replaces glutamic acid 187 with aspartic acid.
Molecular consequence: missense variant.
Genome position (GRCh38, 1-based): chr14:67,885,977, A>T. VCF-style: chr14-67885977-A-T. GRCh37 (hg19) VCF-style: chr14-68352694-A-T.
Other names: c.561A>T, p.Glu187Asp (NM_133509.5, NM_001321809.2, NM_001321810.2 and 6 more transcripts); c.447A>T, p.Glu149Asp (NM_001321815.1); c.204A>T, p.Glu68Asp (NM_001321817.2); short protein forms E149D, E68D, E187D.
Identifiers: ClinVar variation 5027758 (VCV005027758.1).

ClinVar aggregate classification (germline): Uncertain significance (1 of 4 stars; one submission).

Submission:

Ambry Genetics
Classification: Uncertain significance. Last evaluated: 2026-06-15. Review status: criteria provided, single submitter. Criteria: Ambry Variant Classification Scheme 2023. Collection method: clinical testing. Allele origin: germline.
Comment: The p.E187D variant (also known as c.561A>T), located in coding exon 5 of the RAD51B gene, results from an A to T substitution at nucleotide position 561. The glutamic acid at codon 187 is replaced by aspartic acid, an amino acid with highly similar properties. This amino acid position is conserved. In addition, this alteration is predicted to be tolerated by in silico analysis. Based on the available evidence, the clinical significance of this variant remains unclear.